The following is an entry in ClinVar:

ClinVar aggregate classification (germline): Pathogenic/Likely pathogenic. Review status: criteria provided, multiple submitters, no conflicts (2 of 4 stars). 4 submissions from 4 submitters: Pathogenic (3); Likely pathogenic (1). Last evaluated 2024-10-10.

Conditions:
Aniridia 1 (AN1). Identifiers: Orphanet 250923, MedGen C0344542, MONDO:0024507, OMIM 106210.
Irido-corneo-trabecular dysgenesis (ASGD5). Also called: ANTERIOR SEGMENT DYSGENESIS 5. Identifiers: Orphanet 708, MedGen C0344559, MONDO:0011414, OMIM 604229, HP:0000659.
PAX6-related disorder. Also called: PAX6-related disorders; PAX6-related condition.
Coloboma, ocular, autosomal dominant (MCOPCB12). Also called: Microphthalmia/coloboma 12. Identifiers: MedGen C5886785, MONDO:0007350, OMIM 120200.

Submissions (4):

Labcorp Genetics (formerly Invitae), Labcorp
Classification: Pathogenic for Aniridia 1; Irido-corneo-trabecular dysgenesis. Last evaluated: 2024-10-10. Review status: criteria provided, single submitter. Criteria: Invitae Variant Classification Sherloc (09022015). Collection method: clinical testing. Allele origin: germline.
Comment: This sequence change replaces glycine, which is neutral and non-polar, with arginine, which is basic and polar, at codon 18 of the PAX6 protein (p.Gly18Arg). This variant is not present in population databases (gnomAD no frequency). This missense change has been observed in individual(s) with PAX6-related disease (internal data). In at least one individual the variant was observed to be de novo. Invitae Evidence Modeling of clinical and family history, age, sex, and reported ancestry of multiple individuals with this PAX6 variant has been performed. This variant is expected to be pathogenic with a positive predictive value of at least 99%. This is a validated machine learning model that incorporates the clinical features of 10,718 individuals referred to our laboratory for PAX6 testing. ClinVar contains an entry for this variant (Variation ID: 289849). Invitae Evidence Modeling of protein sequence and biophysical properties (such as structural, functional, and spatial information, amino acid conservation, physicochemical variation, residue mobility, and thermodynamic stability) indicates that this missense variant is expected to disrupt PAX6 protein function with a positive predictive value of 80%. Experimental studies have shown that this missense change affects PAX6 function (PMID: 15579687, 20577777). This variant disrupts the p.Gly18 amino acid residue in PAX6. Other variant(s) that disrupt this residue have been observed in individuals with PAX6-related conditions (PMID: 9792406), which suggests that this may be a clinically significant amino acid residue. For these reasons, this variant has been classified as Pathogenic.

Department of Human Genetics, Hannover Medical School
Classification: Pathogenic for Coloboma, ocular, autosomal dominant. Last evaluated: 2024-07-26. Review status: criteria provided, single submitter. Criteria: ACMG Guidelines, 2015. Collection method: clinical testing. Allele origin: germline. Affected: yes.

Daryl Scott Lab, Baylor College of Medicine
Classification: Pathogenic for PAX6-related disorder. Last evaluated: 2023-11-10. Review status: criteria provided, single submitter. Criteria: ACMG Guidelines, 2015. Collection method: clinical testing. Allele origin: unknown. Affected: yes.

Eurofins Ntd Llc (ga)
Classification: Likely pathogenic. Last evaluated: 2016-08-02. Review status: criteria provided, single submitter. Criteria: EGL Classification Definitions 2015. Collection method: clinical testing. Allele origin: germline. Observed: 1 variant allele, 1 heterozygote.

Literature cited by the submitters: PubMed 15579687 (cited by Labcorp Genetics (formerly Invitae), Labcorp); PubMed 20577777 (cited by Labcorp Genetics (formerly Invitae), Labcorp and Eurofins Ntd Llc (ga)); PubMed 9792406 (cited by Labcorp Genetics (formerly Invitae), Labcorp and Eurofins Ntd Llc (ga)); PubMed 12015275 (cited by Eurofins Ntd Llc (ga)); I:\T\Papers and Publications\PAX6\Kim_2008.pdf (cited by Eurofins Ntd Llc (ga)).

NM_001368894.2(PAX6):c.52G>C (p.Gly18Arg)

Gene: PAX6 (paired box 6; minus strand). Cytogenetic location: 11p13.
Variant type: single nucleotide variant.
Coding change: c.52G>C on transcript NM_001368894.2 (MANE Select); coding-DNA position 52, G replaced by C.
Protein change: p.Gly18Arg; replaces glycine 18 with arginine.
Molecular consequence: missense variant. On other transcripts: intron variant (2), 5 prime UTR variant (12), non-coding transcript variant (2).
Genome position (GRCh38, 1-based): chr11:31,802,793, C>G on the plus strand (G>C on the coding strand, the complement: PAX6 is on the minus strand). VCF-style: chr11-31802793-C-G. GRCh37 (hg19) VCF-style: chr11-31824341-C-G.
Other names: c.-267-1017G>C (NM_001368904.2, NM_001368909.2); c.52G>C, p.Gly18Arg (NM_000280.6, NM_001127612.3, NM_001258462.3 and 30 more transcripts); c.-730G>C (NM_001310160.2, NM_001368905.2); c.-399G>C (NM_001310161.3, NM_001368900.2, NM_001368903.2 and 2 more transcripts); c.-357G>C (NM_001368899.2, NM_001368901.2, NM_001368906.2 and 1 more transcripts); c.-688G>C (NM_001368902.2); c.295G>C, p.Gly99Arg (NM_001368910.2); c.55G>C, p.Gly19Arg (NM_001368911.2); short protein forms G18R, G99R, G19R.
Identifiers: ClinVar variation 289849 (VCV000289849.14), dbSNP rs886044289, ClinGen allele CA10606574.